The following is an entry in ClinVar:

ClinVar aggregate classification (germline): Benign/Likely benign. Review status: criteria provided, multiple submitters, no conflicts (2 of 4 stars). 9 submissions from 9 submitters: Benign (5); Likely benign (4). Last evaluated 2026-09-01.

Conditions:
Inborn genetic diseases. Identifiers: MedGen C0950123, MeSH D030342.
Intellectual developmental disorder, autosomal dominant 1. Also called: MBD5 Haploinsufficiency; Intellectual disability, autosomal dominant 1. Identifiers: Orphanet 228402, MedGen C1969562, MONDO:0007974, OMIM 156200.

Allele frequency attached by ClinVar (database versions not stated): gnomAD exomes 0.00079 and 0.00126; ExAC 0.00081; gnomAD 0.00115 and 0.00123; TOPMed 0.00124; ESP Exome Variant Server 0.00146.
gnomAD v4.1: 1,987 of 1,614,004 alleles (0.12%); highest among the groups gnomAD compares: Non-Finnish European, 0.15%; 1 homozygote.

Submissions (9):

CeGaT Center for Human Genetics Tuebingen
Classification: Likely benign. Last evaluated: 2026-09-01. Review status: criteria provided, single submitter. Criteria: CeGaT Center For Human Genetics Tuebingen Variant Classification Criteria Version 2. Collection method: clinical testing. Allele origin: germline. Affected: yes. Observed: 12 variant alleles.
Comment: MBD5: BP4, BP7, BS1

Labcorp Genetics (formerly Invitae), Labcorp
Classification: Benign for Intellectual developmental disorder, autosomal dominant 1. Last evaluated: 2026-02-02. Review status: criteria provided, single submitter. Criteria: Invitae Variant Classification Sherloc (09022015). Collection method: clinical testing. Allele origin: germline.

ARUP Laboratories, Molecular Genetics and Genomics, ARUP Laboratories
Classification: Benign for Intellectual developmental disorder, autosomal dominant 1. Last evaluated: 2025-04-16. Review status: criteria provided, single submitter. Criteria: ARUP Molecular Germline Variant Investigation Process 2024. Collection method: clinical testing. Allele origin: germline.

Blueprint Genetics
Classification: Likely benign. Last evaluated: 2024-11-26. Review status: criteria provided, single submitter. Criteria: ACMG Guidelines, 2015. Collection method: clinical testing. Allele origin: germline.

Mayo Clinic Laboratories, Mayo Clinic
Classification: Benign. Last evaluated: 2020-11-23. Review status: criteria provided, single submitter. Criteria: ACMG Guidelines, 2015. Collection method: clinical testing. Allele origin: germline. Observed: 2 variant alleles.

Athena Diagnostics
Classification: Benign. Last evaluated: 2020-04-21. Review status: criteria provided, single submitter. Criteria: Athena Diagnostics Criteria. Collection method: clinical testing. Allele origin: unknown.

Ambry Genetics
Classification: Likely benign for Inborn genetic diseases. Last evaluated: 2017-10-13. Review status: criteria provided, single submitter. Criteria: Ambry Variant Classification Scheme 2023. Collection method: clinical testing. Allele origin: germline.

GeneDx
Classification: Benign. Last evaluated: 2015-03-03. Review status: criteria provided, single submitter. Criteria: GeneDx Variant Classification Process June 2021. Collection method: clinical testing. Allele origin: germline. Affected: yes.

Eurofins Ntd Llc (ga)
Classification: Likely benign. Last evaluated: 2014-04-09. Review status: criteria provided, single submitter. Criteria: EGL Classification Definitions 2015. Collection method: clinical testing. Allele origin: germline. Observed: 1 variant allele, 1 heterozygote.

Literature cited by the submitters: PubMed 17847001 (cited by Athena Diagnostics).

NM_001378120.1(MBD5):c.3978C>T (p.Val1326=)

Gene: MBD5 (methyl-CpG binding domain protein 5; plus strand). Cytogenetic location: 2q23.1.
Variant type: single nucleotide variant.
Coding change: c.3978C>T on transcript NM_001378120.1 (MANE Select); coding-DNA position 3978, C replaced by T.
Protein change: p.Val1326=; no amino-acid change (valine 1326 retained).
Molecular consequence: synonymous variant.
Genome position (GRCh38, 1-based): chr2:148,489,610, C>T. VCF-style: chr2-148489610-C-T. GRCh37 (hg19) VCF-style: chr2-149247179-C-T.
Other names: p.Val1093=; c.3279C>T, p.Val1093= (NM_018328.5).
Identifiers: ClinVar variation 167264 (VCV000167264.51), dbSNP rs35692977, ClinGen allele CA180175.
Genomic context (GRCh38, chr2:148,489,610, plus strand): 5'-TGGCCTCGTTGTGGGTGGCCCAGGTGATGCTTCCGTAGATGCCATTTACAAAGCAGTTGT[C>T]GATGCAGCCAGCAAAGGAATGCAGGTTGTCATCACCACTGCAGTCAACAGTACAACTCAG-3'
Protein context (NP_001365049.1, residues 1316-1336): ASVDAIYKAV[Val1326=]DAASKGMQVV